The following is an entry in ClinVar:

ClinVar aggregate classification (germline): Likely benign. Review status: criteria provided, multiple submitters, no conflicts (2 of 4 stars). 3 submissions from 3 submitters: Likely benign (2). 1 of the submissions does not count toward it. Last evaluated 2026-01-05.

Conditions:
Pyruvate carboxylase deficiency. Also called: LEIGH NECROTIZING ENCEPHALOPATHY DUE TO PYRUVATE CARBOXYLASE DEFICIENCY; LEIGH SYNDROME DUE TO PYRUVATE CARBOXYLASE DEFICIENCY; PC DEFICIENCY; ATAXIA WITH LACTIC ACIDOSIS II; Pyruvate Carboxylase Deficiency Disease. Identifiers: Orphanet 3008, MedGen C0034341, MONDO:0009949, OMIM 266150.
PC-related disorder. Also called: PC-related condition.

Allele frequency attached by ClinVar (database versions not stated): gnomAD 0.00001; TOPMed 0.00003; ExAC 0.00004; gnomAD exomes 0.00006.
gnomAD v4.1: 64 of 1,613,710 alleles (0.004%); highest among the groups gnomAD compares: Admixed American, 0.005%; no homozygotes.

Submissions (3):

Labcorp Genetics (formerly Invitae), Labcorp
Classification: Likely benign for Pyruvate carboxylase deficiency. Last evaluated: 2026-01-05. Review status: criteria provided, single submitter. Criteria: Invitae Variant Classification Sherloc (09022015). Collection method: clinical testing. Allele origin: germline.

Blueprint Genetics
Classification: Likely benign. Last evaluated: 2022-03-08. Review status: criteria provided, single submitter. Criteria: ACMG Guidelines, 2015. Collection method: clinical testing. Allele origin: germline.

PreventionGenetics, part of Exact Sciences
Classification: Likely benign for PC-related condition. Last evaluated: 2020-10-02. Review status: no assertion criteria provided. Collection method: clinical testing. Allele origin: germline. Not counted in ClinVar's aggregate classification.
Comment: This variant is classified as likely benign based on ACMG/AMP sequence variant interpretation guidelines (Richards et al. 2015 PMID: 25741868, with internal and published modifications).

NM_001040716.2(PC):c.696G>A (p.Ala232=)

Gene: PC (pyruvate carboxylase; minus strand). Cytogenetic location: 11q13.2.
Variant type: single nucleotide variant.
Coding change: c.696G>A on transcript NM_001040716.2 (MANE Select); coding-DNA position 696, G replaced by A.
Protein change: p.Ala232=; no amino-acid change (alanine 232 retained).
Molecular consequence: synonymous variant.
Genome position (GRCh38, 1-based): chr11:66,870,830, C>T on the plus strand (G>A on the coding strand, the complement: PC is on the minus strand). VCF-style: chr11-66870830-C-T. GRCh37 (hg19) VCF-style: chr11-66638301-C-T.
Other names: c.696G>A, p.Ala232= (NM_000920.4, NM_022172.3); c.696G>A (NM_001040716.1).
Identifiers: ClinVar variation 1109536 (VCV001109536.12), dbSNP rs768625636, ClinGen allele CA6132147.